The following is an entry in ClinVar:

ClinVar aggregate classification (germline): Likely benign. Review status: criteria provided, multiple submitters, no conflicts (2 of 4 stars). 3 submissions from 3 submitters: Likely benign (3). Last evaluated 2026-05-06.

Conditions:
Bardet-Biedl syndrome (BBS). Identifiers: Orphanet 110, MedGen C0752166, MONDO:0015229.
BBS1-related disorder. Also called: BBS1-related condition.

Allele frequency attached by ClinVar (database versions not stated): ExAC 0.00002; ESP Exome Variant Server 0.00008; gnomAD 0.00001; gnomAD exomes 0.00001.
gnomAD v4.1: 15 of 1,613,378 alleles (0.00093%); highest among the groups gnomAD compares: South Asian, 0.0033%; no homozygotes.

Submissions (3):

PreventionGenetics, part of Exact Sciences
Classification: Likely benign for BBS1-related condition. Last evaluated: 2026-05-06. Review status: criteria provided, single submitter. Criteria: ACMG Guidelines, 2015. Collection method: clinical testing. Allele origin: germline.
Comment: This variant is classified as likely benign based on ACMG/AMP sequence variant interpretation guidelines (Richards et al. 2015 PMID: 25741868, with internal and published modifications).

Blueprint Genetics
Classification: Likely benign. Last evaluated: 2024-04-02. Review status: criteria provided, single submitter. Criteria: ACMG Guidelines, 2015. Collection method: clinical testing. Allele origin: germline.

Labcorp Genetics (formerly Invitae), Labcorp
Classification: Likely benign for Bardet-Biedl syndrome. Last evaluated: 2024-02-26. Review status: criteria provided, single submitter. Criteria: Invitae Variant Classification Sherloc (09022015). Collection method: clinical testing. Allele origin: germline.

NM_024649.5(BBS1):c.384A>G (p.Gln128=)

Gene: BBS1 (Bardet-Biedl syndrome 1; plus strand). Cytogenetic location: 11q13.2.
Variant type: single nucleotide variant.
Coding change: c.384A>G on transcript NM_024649.5 (MANE Select); coding-DNA position 384, A replaced by G.
Protein change: p.Gln128=; no amino-acid change (glutamine 128 retained).
Molecular consequence: synonymous variant.
Genome position (GRCh38, 1-based): chr11:66,514,630, A>G. VCF-style: chr11-66514630-A-G. GRCh37 (hg19) VCF-style: chr11-66282101-A-G.
Other names: c.384A>G (NM_024649.4).
Identifiers: ClinVar variation 1146393 (VCV001146393.11), dbSNP rs149442804, ClinGen allele CA6123318.